The following is an entry in ClinVar:

ClinVar aggregate classification (germline): Conflicting classifications of pathogenicity. Review status: criteria provided, conflicting classifications (1 of 4 stars). 3 submissions from 3 submitters: Uncertain significance (2); Likely benign (1). Last evaluated 2025-10-06.

Allele frequency attached by ClinVar (database versions not stated): gnomAD exomes 0.00002 and 0.00009; TOPMed 0.00005; ExAC 0.00007.
gnomAD v4.1: 34 of 1,611,102 alleles (0.0021%); highest among the groups gnomAD compares: Admixed American, 0.037%; no homozygotes.

Submissions (3):

Labcorp Genetics (formerly Invitae), Labcorp
Classification: Uncertain significance. Last evaluated: 2025-10-06. Review status: criteria provided, single submitter. Criteria: Invitae Variant Classification Sherloc (09022015). Collection method: clinical testing. Allele origin: germline.
Comment: This sequence change replaces glutamic acid, which is acidic and polar, with lysine, which is basic and polar, at codon 1419 of the MYH14 protein (p.Glu1419Lys). This variant is present in population databases (rs746679895, gnomAD 0.05%), and has an allele count higher than expected for a pathogenic variant. This missense change has been observed in individual(s) with deafness (PMID: 34515852). ClinVar contains an entry for this variant (Variation ID: 1308220). Invitae Evidence Modeling of protein sequence and biophysical properties (such as structural, functional, and spatial information, amino acid conservation, physicochemical variation, residue mobility, and thermodynamic stability) indicates that this missense variant is expected to disrupt MYH14 protein function with a positive predictive value of 80%. In summary, the available evidence is currently insufficient to determine the role of this variant in disease. Therefore, it has been classified as a Variant of Uncertain Significance.

Blueprint Genetics
Classification: Likely benign. Last evaluated: 2022-03-08. Review status: criteria provided, single submitter. Criteria: ACMG Guidelines, 2015. Collection method: clinical testing. Allele origin: germline.

GeneDx
Classification: Uncertain significance. Last evaluated: 2019-03-19. Review status: criteria provided, single submitter. Criteria: GeneDx Variant Classification Process June 2021. Collection method: clinical testing. Allele origin: germline. Affected: yes.
Comment: In silico analysis, which includes protein predictors and evolutionary conservation, supports a deleterious effect; Has not been previously published as pathogenic or benign to our knowledge

Literature cited by the submitters: PubMed 34515852 (cited by Labcorp Genetics (formerly Invitae), Labcorp).

NM_001145809.2(MYH14):c.4378G>A (p.Glu1460Lys)

Gene: MYH14 (myosin heavy chain 14; plus strand). Cytogenetic location: 19q13.33.
Variant type: single nucleotide variant.
Coding change: c.4378G>A on transcript NM_001145809.2 (MANE Select); coding-DNA position 4378, G replaced by A.
Protein change: p.Glu1460Lys; replaces glutamic acid 1460 with lysine.
Molecular consequence: missense variant.
Genome position (GRCh38, 1-based): chr19:50,281,681, G>A. VCF-style: chr19-50281681-G-A. GRCh37 (hg19) VCF-style: chr19-50784938-G-A.
Other names: c.4279G>A, p.Glu1427Lys (NM_001077186.2); c.4255G>A, p.Glu1419Lys (NM_024729.4); short protein forms E1419K, E1427K, E1460K.
Identifiers: ClinVar variation 1308220 (VCV001308220.7), dbSNP rs746679895, ClinGen allele CA9593496.
Genomic context (GRCh38, chr19:50,281,681, plus strand): 5'-GAGGAGGCAGGGGCACTGGAGGCAGGGGAGGAGGCACGGCGCCGGGCAGCCCGGGAGGCC[G>A]AGGCCCTGACCCAGCGCCTGGCAGAAAAGACAGAGACCGTGGATCGGCTGGAGCGGGGCC-3'
Protein context (NP_001139281.1, residues 1450-1470): EARRRAAREA[Glu1460Lys]ALTQRLAEKT